The following is an entry in ClinVar:

ClinVar aggregate classification (germline): Uncertain significance. Review status: criteria provided, multiple submitters, no conflicts (2 of 4 stars). 3 submissions from 3 submitters: Uncertain significance (3). Last evaluated 2024-08-15.

Conditions:
Hereditary cancer-predisposing syndrome. Also called: Hereditary neoplastic syndrome; Neoplastic Syndromes, Hereditary; Tumor predisposition; Hereditary Cancer Syndrome. Identifiers: Orphanet 140162, MedGen C0027672, MeSH D009386, MONDO:0015356.
Familial cancer of breast. Also called: Hereditary breast cancer; hereditary breast carcinoma; BREAST CANCER, FAMILIAL. Identifiers: Orphanet 227535, MedGen C0346153, MONDO:0016419, OMIM 114480. Disease mechanism: loss of function.

Submissions (3):

Ambry Genetics
Classification: Uncertain significance for Hereditary cancer-predisposing syndrome. Last evaluated: 2024-08-15. Review status: criteria provided, single submitter. Criteria: Ambry Variant Classification Scheme 2023. Collection method: clinical testing. Allele origin: germline.
Comment: The p.E284K variant (also known as c.850G>A), located in coding exon 4 of the BARD1 gene, results from a G to A substitution at nucleotide position 850. The glutamic acid at codon 284 is replaced by lysine, an amino acid with similar properties. This amino acid position is conserved. In addition, this alteration is predicted to be tolerated by in silico analysis. Since supporting evidence is limited at this time, the clinical significance of this alteration remains unclear.

Institute for Biomarker Research, Medical Diagnostic Laboratories, L.L.C.
Classification: Uncertain significance for Hereditary cancer-predisposing syndrome. Last evaluated: 2024-03-19. Review status: criteria provided, single submitter. Criteria: ACMG Guidelines, 2015. Collection method: clinical testing. Allele origin: germline.

Labcorp Genetics (formerly Invitae), Labcorp
Classification: Uncertain significance for Familial cancer of breast. Last evaluated: 2023-10-17. Review status: criteria provided, single submitter. Criteria: Invitae Variant Classification Sherloc (09022015). Collection method: clinical testing. Allele origin: germline.
Comment: This sequence change replaces glutamic acid, which is acidic and polar, with lysine, which is basic and polar, at codon 284 of the BARD1 protein (p.Glu284Lys). This variant is not present in population databases (gnomAD no frequency). This variant has not been reported in the literature in individuals affected with BARD1-related conditions. ClinVar contains an entry for this variant (Variation ID: 1003997). An algorithm developed to predict the effect of missense changes on protein structure and function (PolyPhen-2) suggests that this variant is likely to be tolerated. In summary, the available evidence is currently insufficient to determine the role of this variant in disease. Therefore, it has been classified as a Variant of Uncertain Significance.

NM_000465.4(BARD1):c.850G>A (p.Glu284Lys)

Gene: BARD1 (BRCA1 associated RING domain 1; minus strand). Cytogenetic location: 2q35.
Variant type: single nucleotide variant.
Coding change: c.850G>A on transcript NM_000465.4 (MANE Select); coding-DNA position 850, G replaced by A.
Protein change: p.Glu284Lys; replaces glutamic acid 284 with lysine.
Molecular consequence: missense variant. On other transcripts: non-coding transcript variant (2), intron variant (3).
Genome position (GRCh38, 1-based): chr2:214,781,024, C>T on the plus strand (G>A on the coding strand, the complement: BARD1 is on the minus strand). VCF-style: chr2-214781024-C-T. GRCh37 (hg19) VCF-style: chr2-215645748-C-T.
Other names: c.793G>A, p.Glu265Lys (NM_001282543.2); c.158+28388G>A (NM_001282548.2); c.215+16037G>A (NM_001282545.2); c.364+11273G>A (NM_001282549.2); short protein forms E265K, E284K.
Identifiers: ClinVar variation 1003997 (VCV001003997.14), dbSNP rs1694987566, ClinGen allele CA350455249.